The following is an entry in ClinVar:

NC_000006.12:g.46080193C>T

Gene: CLIC5 (CLIC family member 5; minus strand). Cytogenetic location: 6p21.1.
Variant type: single nucleotide variant.
Molecular consequence: missense variant (on NM_001114086.2). On other transcripts: intron variant (1).
Genome position: GRCh38 VCF-style: chr6-46080193-C-T. GRCh37 (hg19) VCF-style: chr6-46047930-C-T.
Other names: c.50G>A, p.Arg17Lys (NM_001114086.2, NM_001370650.1); c.-55+49311G>A (NM_001370649.1); short protein forms R17K.
Identifiers: ClinVar variation 2770663 (VCV002770663.3), dbSNP rs2533000972, ClinGen allele CA363966918.

ClinVar aggregate classification (germline): Uncertain significance (1 of 4 stars; one submission).

Allele frequency attached by ClinVar (database versions not stated): gnomAD exomes 0.00001.
gnomAD v4.1: 10 of 1,551,596 alleles (0.00064%); highest among the groups gnomAD compares: Non-Finnish European, 0.00087%; no homozygotes.

Submission:

Labcorp Genetics (formerly Invitae), Labcorp
Classification: Uncertain significance. Last evaluated: 2023-10-22. Review status: criteria provided, single submitter. Criteria: Invitae Variant Classification Sherloc (09022015). Collection method: clinical testing. Allele origin: germline.
Comment: This sequence change replaces arginine, which is basic and polar, with lysine, which is basic and polar, at codon 17 of the CLIC5 protein (p.Arg17Lys). This variant is not present in population databases (gnomAD no frequency). This variant has not been reported in the literature in individuals affected with CLIC5-related conditions. An algorithm developed to predict the effect of missense changes on protein structure and function (PolyPhen-2) suggests that this variant is likely to be tolerated. In summary, the available evidence is currently insufficient to determine the role of this variant in disease. Therefore, it has been classified as a Variant of Uncertain Significance.